The following is an entry in ClinVar:

ClinVar aggregate classification (germline): Likely benign. Review status: criteria provided, multiple submitters, no conflicts (2 of 4 stars). 2 submissions from 2 submitters: Likely benign (2). Last evaluated 2023-12-01.

Conditions:
Aneurysm-osteoarthritis syndrome. Also called: LOEYS-DIETZ SYNDROME WITH OSTEOARTHRITIS; SMAD3-Related Loeys-Dietz Syndrome; Loeys-Dietz syndrome, type 1C; ANEURYSMS-OSTEOARTHRITIS SYNDROME. Identifiers: Orphanet 284984, MedGen C3151087, MONDO:0013426, OMIM 613795.
Familial thoracic aortic aneurysm and aortic dissection (TAAD). Also called: Thoracic aortic aneurysms and dissections. Identifiers: Orphanet 91387, MedGen C4707243, MONDO:0019625.

Allele frequency attached by ClinVar (database versions not stated): gnomAD exomes below 0.00001.
gnomAD v4.1: 1 of 1,614,176 alleles (0.000062%); highest among the groups gnomAD compares: African/African-American, 0.0013%; no homozygotes.

Submissions (2):

All of Us Research Program, National Institutes of Health
Classification: Likely benign for Aneurysm-osteoarthritis syndrome. Last evaluated: 2023-12-01. Review status: criteria provided, single submitter. Criteria: ACMG Guidelines, 2015. Collection method: clinical testing. Allele origin: germline. Inheritance: Autosomal dominant inheritance. Observed: 1 variant allele, 1 heterozygote.
Comment: This study involves interpretation of variants in research participants for the purpose of population health screening. Participant phenotype was not available at the time of variant classification. Additional details can be found in publication PMID: 35346344, PMCID: PMC8962531

Color Diagnostics, LLC DBA Color Health
Classification: Likely benign for Familial thoracic aortic aneurysm and aortic dissection. Last evaluated: 2018-12-10. Review status: criteria provided, single submitter. Criteria: ACMG Guidelines, 2015. Collection method: clinical testing. Allele origin: germline.

NM_005902.4(SMAD3):c.807C>T (p.Phe269=)

Gene: SMAD3 (SMAD family member 3; plus strand). Cytogenetic location: 15q22.33.
Variant type: single nucleotide variant.
Coding change: c.807C>T on transcript NM_005902.4 (MANE Select); coding-DNA position 807, C replaced by T.
Protein change: p.Phe269=; no amino-acid change (phenylalanine 269 retained).
Molecular consequence: synonymous variant.
Genome position (GRCh38, 1-based): chr15:67,181,389, C>T. VCF-style: chr15-67181389-C-T. GRCh37 (hg19) VCF-style: chr15-67473727-C-T.
Other names: c.492C>T, p.Phe164= (NM_001145102.2); c.675C>T, p.Phe225= (NM_001145103.2); c.222C>T, p.Phe74= (NM_001145104.2).
Identifiers: ClinVar variation 924161 (VCV000924161.3), dbSNP rs1963052117, ClinGen allele CA490915493.